The following is an entry in ClinVar:

NM_176824.3(BBS7):c.1677-11T>G

Gene: BBS7 (Bardet-Biedl syndrome 7; minus strand). Cytogenetic location: 4q27.
Variant type: single nucleotide variant.
Coding change: c.1677-11T>G on transcript NM_176824.3 (MANE Select); 11 bases into the intron before coding-DNA position 1677, T replaced by G.
Molecular consequence: intron variant.
Genome position (GRCh38, 1-based): chr4:121,828,739, A>C on the plus strand (T>G on the coding strand, the complement: BBS7 is on the minus strand). VCF-style: chr4-121828739-A-C. GRCh37 (hg19) VCF-style: chr4-122749894-A-C.
Other names: c.1677-11T>G (NM_018190.4).
Identifiers: ClinVar variation 2134236 (VCV002134236.1), dbSNP rs1199313296, ClinGen allele CA554184594.

ClinVar aggregate classification (germline): Uncertain significance (1 of 4 stars; one submission).

Conditions:
Bardet-Biedl syndrome (BBS). Identifiers: Orphanet 110, MedGen C0752166, MONDO:0015229.

gnomAD v4.1: 1 of 1,448,794 alleles (0.000069%); highest among the groups gnomAD compares: Non-Finnish European, 0.000095%; no homozygotes.

Submission:

Labcorp Genetics (formerly Invitae), Labcorp
Classification: Uncertain significance for Bardet-Biedl syndrome. Last evaluated: 2022-07-20. Review status: criteria provided, single submitter. Criteria: Invitae Variant Classification Sherloc (09022015). Collection method: clinical testing. Allele origin: germline.
Comment: This sequence change falls in intron 15 of the BBS7 gene. It does not directly change the encoded amino acid sequence of the BBS7 protein. This variant is present in population databases (no rsID available, gnomAD 0.01%). This variant has not been reported in the literature in individuals affected with BBS7-related conditions. Algorithms developed to predict the effect of sequence changes on RNA splicing suggest that this variant may disrupt the consensus splice site. In summary, the available evidence is currently insufficient to determine the role of this variant in disease. Therefore, it has been classified as a Variant of Uncertain Significance.